The following is an entry in ClinVar:

ClinVar aggregate classification (germline): Benign/Likely benign. Review status: criteria provided, multiple submitters, no conflicts (2 of 4 stars). 7 submissions from 7 submitters: Benign (2); Likely benign (4). 1 of the submissions does not count toward it. Last evaluated 2026-01-26.

Conditions:
Inborn genetic diseases. Identifiers: MedGen C0950123, MeSH D030342.
CHD2-related disorder. Also called: CHD2-related condition.
Developmental and epileptic encephalopathy 94 (DEE94). Also called: Epileptic encephalopathy, childhood-onset; CHD2-Related Neurodevelopmental Disorders. Identifiers: Orphanet 1942, Orphanet 2382, MedGen C3809278, MONDO:0014150, OMIM 615369.

Allele frequency attached by ClinVar (database versions not stated): gnomAD exomes 0.00011 and 0.00034; ExAC 0.00042; ESP Exome Variant Server 0.00123; gnomAD 0.00130 and 0.00140; TOPMed 0.00148; 1000 Genomes Project 30x 0.00156; 1000 Genomes Project 0.00160.
gnomAD v4.1: 364 of 1,613,814 alleles (0.023%); highest among the groups gnomAD compares: African/African-American, 0.44%; 2 homozygotes.

Submissions (7):

Labcorp Genetics (formerly Invitae), Labcorp
Classification: Benign for Developmental and epileptic encephalopathy 94. Last evaluated: 2026-01-26. Review status: criteria provided, single submitter. Criteria: Invitae Variant Classification Sherloc (09022015). Collection method: clinical testing. Allele origin: germline.

CeGaT Center for Human Genetics Tuebingen
Classification: Likely benign. Last evaluated: 2026-01-01. Review status: criteria provided, single submitter. Criteria: CeGaT Center For Human Genetics Tuebingen Variant Classification Criteria Version 2. Collection method: clinical testing. Allele origin: germline. Affected: yes. Observed: 2 variant alleles.
Comment: CHD2: BS1

Blueprint Genetics
Classification: Likely benign. Last evaluated: 2024-05-03. Review status: criteria provided, single submitter. Criteria: ACMG Guidelines, 2015. Collection method: clinical testing. Allele origin: germline.

Ambry Genetics
Classification: Likely benign for Inborn genetic diseases. Last evaluated: 2016-05-11. Review status: criteria provided, single submitter. Criteria: Ambry Variant Classification Scheme 2023. Collection method: clinical testing. Allele origin: germline.

GeneDx
Classification: Benign. Last evaluated: 2016-04-11. Review status: criteria provided, single submitter. Criteria: GeneDx Variant Classification (06012015). Collection method: clinical testing. Allele origin: germline. Affected: yes.
Comment: This variant is considered likely benign or benign based on one or more of the following criteria: it is a conservative change, it occurs at a poorly conserved position in the protein, it is predicted to be benign by multiple in silico algorithms, and/or has population frequency not consistent with disease.

Breakthrough Genomics
Classification: Likely benign. Review status: criteria provided, single submitter. Criteria: ACMG Guidelines, 2015. Collection method: not provided. Allele origin: germline. Inheritance: Autosomal dominant inheritance. Affected: yes.

PreventionGenetics, part of Exact Sciences
Classification: Benign for CHD2-related condition. Last evaluated: 2019-09-06. Review status: no assertion criteria provided. Collection method: clinical testing. Allele origin: germline. Not counted in ClinVar's aggregate classification.
Comment: This variant is classified as benign based on ACMG/AMP sequence variant interpretation guidelines (Richards et al. 2015 PMID: 25741868, with internal and published modifications).

NM_001271.4(CHD2):c.330G>A (p.Arg110=)

Gene: CHD2 (chromodomain helicase DNA binding protein 2; plus strand). Cytogenetic location: 15q26.1.
Variant type: single nucleotide variant.
Coding change: c.330G>A on transcript NM_001271.4 (MANE Select); coding-DNA position 330, G replaced by A.
Protein change: p.Arg110=; no amino-acid change (arginine 110 retained).
Molecular consequence: synonymous variant.
Genome position (GRCh38, 1-based): chr15:92,927,279, G>A. VCF-style: chr15-92927279-G-A. GRCh37 (hg19) VCF-style: chr15-93470509-G-A.
Other names: c.330G>A, p.Arg110= (NM_001042572.3).
Identifiers: ClinVar variation 384803 (VCV000384803.42), dbSNP rs138626801, ClinGen allele CA7747493.
Genomic context (GRCh38, chr15:92,927,279, plus strand): 5'-AATGCGTGGTCTCTTAATTTTACAGATGTGGGAAGAATATCCTGATGTTTATGGGGTCAG[G>A]CGGTCAAACCGAAGCAGACAAGAACCATCGCGATTTAATATTAAGGAAGAGGTAAGGAAA-3'
Protein context (NP_001262.3, residues 100-120): WEEYPDVYGV[Arg110=]RSNRSRQEPS